The following is an entry in ClinVar:

NM_000090.4(COL3A1):c.3537_3545del (p.His1180_Gly1182del)

Gene: COL3A1 (collagen type III alpha 1 chain; plus strand). Cytogenetic location: 2q32.2.
Variant type: Deletion.
Coding change: c.3537_3545del on transcript NM_000090.4 (MANE Select); coding-DNA positions 3537 to 3545, 9 bases deleted (CCACCCAGG; older notation c.3537_3545delCCACCCAGG).
Protein change: p.His1180_Gly1182del.
Molecular consequence: inframe indel (on NM_000090.3).
Genome position (GRCh38, 1-based): chr2:189,008,935-189,008,943, CCACCCAGG deleted; deleting any 9 consecutive bases within chr2:189,008,929-189,008,943 gives the same sequence; the c. name uses the placement nearest the transcript's 3' end. VCF-style (leftmost placement, unchanged base first): chr2-189008928-CCCCAGGCCA-C. GRCh37 (hg19) VCF-style: chr2-189873654-CCCCAGGCCA-C.
Other names: c.3537_3545delCCACCCAGG, p.His1180_Gly1182del (NM_000090.3).
Identifiers: ClinVar variation 4527924 (VCV004527924.1).

ClinVar aggregate classification (germline): Pathogenic (1 of 4 stars; one submission).

Submission:

GeneDx
Classification: Pathogenic. Last evaluated: 2025-05-05. Review status: criteria provided, single submitter. Criteria: GeneDx Variant Classification Process June 2021. Collection method: clinical testing. Allele origin: germline. Affected: yes.
Comment: Occurs in the triple helical domain and is predicted to remove canonical Gly-X-Y repeat units; an in-frame deletion variant in this region is expected to disrupt normal protein folding and function, and this is an established mechanism of disease (HGMD); Not observed at significant frequency in large population cohorts (gnomAD); In-frame deletion of 3 amino acids in a non-repeat region; Has not been previously published as pathogenic or benign to our knowledge